The following is an entry in ClinVar:

NM_000051.4(ATM):c.8199G>C (p.Gln2733His)

Genes: ATM (ATM serine/threonine kinase; plus strand), C11orf65 (chromosome 11 open reading frame 65; minus strand). Cytogenetic location: 11q22.3.
Variant type: single nucleotide variant.
Coding change: c.8199G>C on transcript NM_000051.4 (MANE Select); coding-DNA position 8199, G replaced by C.
Protein change: p.Gln2733His; replaces glutamine 2733 with histidine.
Molecular consequence: missense variant. On other transcripts: intron variant (2).
Genome position (GRCh38, 1-based): chr11:108,335,892, G>C. VCF-style: chr11-108335892-G-C. GRCh37 (hg19) VCF-style: chr11-108206619-G-C.
Other names: c.8199G>C, p.Gln2733His (NM_001351834.2); c.641-26821C>G (NM_001330368.2); c.695-600C>G (NM_001351110.2); short protein forms Q2733H.
Identifiers: ClinVar variation 1425567 (VCV001425567.8), dbSNP rs770552705, ClinGen allele CA382562555.

ClinVar aggregate classification (germline): Uncertain significance. Review status: criteria provided, multiple submitters, no conflicts (2 of 4 stars). 2 submissions from 2 submitters: Uncertain significance (2). Last evaluated 2022-09-30.

Conditions:
Ataxia-telangiectasia syndrome (AT). Also called: Ataxia-telangiectasia; LOUIS-BAR SYNDROME; Ataxia-telangiectasia, complementation group D; AT, COMPLEMENTATION GROUP C; ATAXIA-TELANGIECTASIA, COMPLEMENTATION GROUP A; ATAXIA-TELANGIECTASIA, FRESNO VARIANT. Identifiers: Orphanet 100, MedGen C0004135, MONDO:0008840, OMIM 208900.

Submissions (2):

GeneDx
Classification: Uncertain significance. Last evaluated: 2022-09-30. Review status: criteria provided, single submitter. Criteria: GeneDx Variant Classification Process June 2021. Collection method: clinical testing. Allele origin: germline. Affected: yes.
Comment: Not observed at significant frequency in large population cohorts (gnomAD); In silico analysis supports that this missense variant does not alter protein structure/function; Has not been previously published as pathogenic or benign to our knowledge; This variant is associated with the following publications: (PMID: 23532176)

Labcorp Genetics (formerly Invitae), Labcorp
Classification: Uncertain significance for Ataxia-telangiectasia syndrome. Last evaluated: 2021-09-03. Review status: criteria provided, single submitter. Criteria: Invitae Variant Classification Sherloc (09022015). Collection method: clinical testing. Allele origin: germline.
Comment: Algorithms developed to predict the effect of missense changes on protein structure and function (SIFT, PolyPhen-2, Align-GVGD) all suggest that this variant is likely to be tolerated. This sequence change replaces glutamine with histidine at codon 2733 of the ATM protein (p.Gln2733His). The glutamine residue is moderately conserved and there is a small physicochemical difference between glutamine and histidine. This variant is not present in population databases (ExAC no frequency). This variant has not been reported in the literature in individuals affected with ATM-related conditions. In summary, the available evidence is currently insufficient to determine the role of this variant in disease. Therefore, it has been classified as a Variant of Uncertain Significance.